The following is an entry in ClinVar:

ClinVar aggregate classification (germline): Pathogenic (1 of 4 stars; one submission).

Conditions:
Familial intrahepatic cholestasis. Identifiers: Orphanet 284385, MedGen CN296401, MONDO:0017290.

Submission:

Genomenon, Inc
Classification: Pathogenic for Familial intrahepatic cholestasis. Last evaluated: 2026-04-14. Review status: criteria provided, single submitter. Criteria: Genomenon Sequence Variant Interpretation Standards - Updated. Collection method: curation. Allele origin: germline. Affected: yes.
Comment: ABCB4 p.Gly762Ter (c.2284G>T) is a nonsense variant that introduces a premature stop codon at amino acid position 762, creating a truncated protein that is predicted to undergo nonsense-mediated mRNA decay. This variant has been observed in at least one proband with an ABCB4-related disorder (PMID:21119540). It is absent or not present at a significant frequency in gnomAD. In conclusion, we classify ABCB4 p.Gly762Ter (c.2284G>T) as a pathogenic variant.

Literature cited by the submitters: PubMed 21119540.

NM_000443.4(ABCB4):c.2284G>T (p.Gly762Ter)

Gene: ABCB4 (ATP binding cassette subfamily B member 4; minus strand). Cytogenetic location: 7q21.12.
Variant type: single nucleotide variant.
Coding change: c.2284G>T on transcript NM_000443.4 (MANE Select); coding-DNA position 2284, G replaced by T.
Protein change: p.Gly762Ter; replaces glycine 762 with a stop codon.
Molecular consequence: nonsense.
Genome position (GRCh38, 1-based): chr7:87,422,153, C>A on the plus strand (G>T on the coding strand, the complement: ABCB4 is on the minus strand). VCF-style: chr7-87422153-C-A. GRCh37 (hg19) VCF-style: chr7-87051469-C-A.
Other names: c.2284G>T, p.Gly762Ter (NM_018849.3, NM_018850.3); short protein forms G762*.
Identifiers: ClinVar variation 4846481 (VCV004846481.1).